The following is an entry in ClinVar:

NM_001048174.2(MUTYH):c.928C>A (p.Gln310Lys)

Gene: MUTYH (mutY DNA glycosylase; minus strand). Cytogenetic location: 1p34.1.
Variant type: single nucleotide variant.
Coding change: c.928C>A on transcript NM_001048174.2 (MANE Select); coding-DNA position 928, C replaced by A.
Protein change: p.Gln310Lys; replaces glutamine 310 with lysine.
Molecular consequence: missense variant. On other transcripts: non-coding transcript variant (7).
Genome position (GRCh38, 1-based): chr1:45,331,835, G>T on the plus strand (C>A on the coding strand, the complement: MUTYH is on the minus strand). VCF-style: chr1-45331835-G-T. GRCh37 (hg19) VCF-style: chr1-45797507-G-T.
Other names: c.928C>A, p.Gln310Lys (NM_001293195.2, NM_001407070.1, NM_001407072.1 and 6 more transcripts); c.652C>A, p.Gln218Lys (NM_001293196.2, NM_001407091.1, NM_001293192.2); c.583C>A, p.Gln195Lys (NM_001350650.2, NM_001350651.2, NM_001407082.1); c.961C>A, p.Gln321Lys (NM_001407069.1, NM_001293191.2, NM_001407077.1); c.931C>A, p.Gln311Lys (NM_001407071.1, NM_001048172.2, NM_001407078.1 and 1 more transcripts); c.949C>A, p.Gln317Lys (NM_001407087.1); c.1003C>A, p.Gln335Lys (NM_012222.3); c.1012C>A, p.Gln338Lys (NM_001128425.2); and 5 more; short protein forms Q282K, Q310K, Q311K, Q338K, Q195K, Q297K, Q324K, Q325K.
Identifiers: ClinVar variation 4112921 (VCV004112921.1).

ClinVar aggregate classification (germline): Uncertain significance (1 of 4 stars; one submission).

Conditions:
Hereditary cancer-predisposing syndrome. Also called: Tumor predisposition; Neoplastic Syndromes, Hereditary; Hereditary neoplastic syndrome; Hereditary Cancer Syndrome. Identifiers: Orphanet 140162, MedGen C0027672, MeSH D009386, MONDO:0015356.

Submission:

Ambry Genetics
Classification: Uncertain significance for Hereditary cancer-predisposing syndrome. Last evaluated: 2025-08-27. Review status: criteria provided, single submitter. Criteria: Ambry Variant Classification Scheme 2023. Collection method: clinical testing. Allele origin: germline.
Comment: The p.Q338K variant (also known as c.1012C>A), located in coding exon 12 of the MUTYH gene, results from a C to A substitution at nucleotide position 1012. The glutamine at codon 338 is replaced by lysine, an amino acid with similar properties. This amino acid position is conserved. In addition, this alteration is predicted to be tolerated by in silico analysis. Based on the available evidence, the clinical significance of this variant remains unclear.